The following is an entry in ClinVar:

ClinVar aggregate classification (germline): Uncertain significance (1 of 4 stars; one submission).

gnomAD v4.1: 2 of 1,613,224 alleles (0.00012%); highest among the groups gnomAD compares: African/African-American, 0.0013%; no homozygotes.

Submission:

Mayo Clinic Laboratories, Mayo Clinic
Classification: Uncertain significance. Last evaluated: 2024-01-05. Review status: criteria provided, single submitter. Criteria: ACMG Guidelines, 2015. Collection method: clinical testing. Allele origin: germline. Observed: 1 variant allele.
Comment: BP4, PM2_moderate

NM_001378615.1(CC2D2A):c.1423G>C (p.Asp475His)

Genes: CC2D2A (coiled-coil and C2 domain containing 2A; plus strand), FBXL5 (F-box and leucine rich repeat protein 5; minus strand). Cytogenetic location: 4p15.32.
Variant type: single nucleotide variant.
Coding change: c.1423G>C on transcript NM_001378615.1 (MANE Select); coding-DNA position 1423, G replaced by C.
Protein change: p.Asp475His; replaces aspartic acid 475 with histidine.
Molecular consequence: missense variant.
Genome position (GRCh38, 1-based): chr4:15,528,683, G>C. VCF-style: chr4-15528683-G-C. GRCh37 (hg19) VCF-style: chr4-15530306-G-C.
Other names: p.Asp475His; c.1423G>C, p.Asp475His (NM_001080522.2); c.1276G>C, p.Asp426His (NM_001378617.1); short protein forms D426H, D475H.
Identifiers: ClinVar variation 3379533 (VCV003379533.1).